The following is an entry in ClinVar:

NM_000441.2(SLC26A4):c.1541A>T (p.Gln514Leu)

Gene: SLC26A4 (solute carrier family 26 member 4; plus strand). Cytogenetic location: 7q22.3.
Variant type: single nucleotide variant.
Coding change: c.1541A>T on transcript NM_000441.2 (MANE Select); coding-DNA position 1541, A replaced by T.
Protein change: p.Gln514Leu; replaces glutamine 514 with leucine.
Molecular consequence: missense variant.
Genome position (GRCh38, 1-based): chr7:107,696,036, A>T. VCF-style: chr7-107696036-A-T. GRCh37 (hg19) VCF-style: chr7-107336481-A-T.
Other names: short protein forms Q514L.
Identifiers: ClinVar variation 4847681 (VCV004847681.1).

ClinVar aggregate classification (germline): Likely pathogenic (1 of 4 stars; one submission).

Conditions:
Pendred syndrome (PDS). Also called: Pendred's syndrome; Pendred Syndrome (PDS); DEAFNESS WITH GOITER; GOITER-DEAFNESS SYNDROME; HYPOTHYROIDISM, CONGENITAL, DUE TO DYSHORMONOGENESIS, 2B; THYROID DYSHORMONOGENESIS 2B. Identifiers: Orphanet 705, MedGen C0271829, MONDO:0010134, OMIM 274600.

Submission:

Women's Health and Genetics/Laboratory Corporation of America, LabCorp
Classification: Likely pathogenic for Pendred syndrome. Last evaluated: 2026-03-25. Review status: criteria provided, single submitter. Criteria: LabCorp Variant Classification Summary - May 2015. Collection method: clinical testing. Allele origin: germline.
Comment: Variant summary: SLC26A4 c.1541A>T (p.Gln514Leu) results in a non-conservative amino acid change in the encoded protein sequence. Algorithms developed to predict the effect of missense changes on protein structure and function all suggest that this variant is likely to be disruptive. The variant was absent in 251292 control chromosomes. To our knowledge, no occurrence of c.1541A>T in individuals affected with SLC26A4-related conditions and no experimental evidence demonstrating its impact on protein function have been reported. However, at least two other missense variants affecting the same codon resulting different amino acid changes (c.1541A>G, p.Gln514Arg; c.1540C>A, p.Gln514Lys) have been reported in individuals with SLC26A4-related conditions and have been classified as pathogenic or likely pathogenic, indicating the clinical relevance of this amino acid residue. No submitters have cited clinical-significance assessments for this variant to ClinVar. Based on the evidence outlined above, the variant was classified as likely pathogenic.